The following is an entry in ClinVar:

ClinVar aggregate classification (germline): Uncertain significance (1 of 4 stars; one submission).

Allele frequency attached by ClinVar (database versions not stated): gnomAD 0.00003; TOPMed 0.00004.
gnomAD v4.1: 29 of 1,613,980 alleles (0.0018%); highest among the groups gnomAD compares: South Asian, 0.0044%; no homozygotes.

Submission:

Labcorp Genetics (formerly Invitae), Labcorp
Classification: Uncertain significance. Last evaluated: 2023-02-17. Review status: criteria provided, single submitter. Criteria: Invitae Variant Classification Sherloc (09022015). Collection method: clinical testing. Allele origin: germline.
Comment: Algorithms developed to predict the effect of missense changes on protein structure and function output the following: SIFT: "Not Available"; PolyPhen-2: "Benign"; Align-GVGD: "Not Available". The asparagine amino acid residue is found in multiple mammalian species, which suggests that this missense change does not adversely affect protein function. In summary, the available evidence is currently insufficient to determine the role of this variant in disease. Therefore, it has been classified as a Variant of Uncertain Significance. This variant has not been reported in the literature in individuals affected with ADGRE2-related conditions. This sequence change replaces aspartic acid, which is acidic and polar, with asparagine, which is neutral and polar, at codon 387 of the ADGRE2 protein (p.Asp387Asn). This variant is present in population databases (rs796344323, gnomAD 0.003%).

NM_013447.4(ADGRE2):c.1159G>A (p.Asp387Asn)

Gene: ADGRE2 (adhesion G protein-coupled receptor E2; minus strand). Cytogenetic location: 19p13.12.
Variant type: single nucleotide variant.
Coding change: c.1159G>A on transcript NM_013447.4 (MANE Select); coding-DNA position 1159, G replaced by A.
Protein change: p.Asp387Asn; replaces aspartic acid 387 with asparagine.
Molecular consequence: missense variant.
Genome position (GRCh38, 1-based): chr19:14,756,271, C>T on the plus strand (G>A on the coding strand, the complement: ADGRE2 is on the minus strand). VCF-style: chr19-14756271-C-T. GRCh37 (hg19) VCF-style: chr19-14867083-C-T.
Other names: c.1159G>A, p.Asp387Asn (NM_001271052.1); c.1012G>A, p.Asp338Asn (NM_152916.2); c.880G>A, p.Asp294Asn (NM_152917.2); short protein forms D338N, D294N, D387N.
Identifiers: ClinVar variation 1920561 (VCV001920561.5), dbSNP rs796344323, ClinGen allele CA305705203.